The following is an entry in ClinVar:

ClinVar aggregate classification (germline): Likely benign. Review status: criteria provided, multiple submitters, no conflicts (2 of 4 stars). 2 submissions from 2 submitters: Likely benign (2). Last evaluated 2025-12-11.

Conditions:
Congenital myasthenic syndrome 8. Also called: MYASTHENIC SYNDROME, CONGENITAL, DUE TO AGRIN DEFICIENCY; Myasthenic syndrome, congenital, 8, with pre- and postsynaptic defects. Identifiers: Orphanet 590, MedGen C3808739, MONDO:0014052, OMIM 615120.

Allele frequency attached by ClinVar (database versions not stated): ExAC 0.00001; gnomAD exomes 0.00002 and 0.00006; gnomAD 0.00005 and 0.00006; TOPMed 0.00005.

Submissions (2):

Labcorp Genetics (formerly Invitae), Labcorp
Classification: Likely benign for Congenital myasthenic syndrome 8. Last evaluated: 2025-12-11. Review status: criteria provided, single submitter. Criteria: Invitae Variant Classification Sherloc (09022015). Collection method: clinical testing. Allele origin: germline.

GeneDx
Classification: Likely benign. Last evaluated: 2017-02-02. Review status: criteria provided, single submitter. Criteria: GeneDx Variant Classification (06012015). Collection method: clinical testing. Allele origin: germline. Affected: yes.
Comment: This variant is considered likely benign or benign based on one or more of the following criteria: it is a conservative change, it occurs at a poorly conserved position in the protein, it is predicted to be benign by multiple in silico algorithms, and/or has population frequency not consistent with disease.

NM_198576.4(AGRN):c.5651+14C>T

Gene: AGRN (agrin; plus strand). Cytogenetic location: 1p36.33.
Variant type: single nucleotide variant.
Coding change: c.5651+14C>T on transcript NM_198576.4 (MANE Select); 14 bases into the intron after coding-DNA position 5651, C replaced by T.
Molecular consequence: intron variant.
Genome position (GRCh38, 1-based): chr1:1,051,829, C>T. VCF-style: chr1-1051829-C-T. GRCh37 (hg19) VCF-style: chr1-987209-C-T.
Other names: c.5663+14C>T (NM_001305275.2); c.5348+14C>T (NM_001364727.2).
Identifiers: ClinVar variation 507161 (VCV000507161.5), dbSNP rs766872717, ClinGen allele CA510125.